The following is an entry in ClinVar:

NM_004859.4(CLTC):c.446C>T (p.Ala149Val)

Gene: CLTC (clathrin heavy chain; plus strand). Cytogenetic location: 17q23.1.
Variant type: single nucleotide variant.
Coding change: c.446C>T on transcript NM_004859.4 (MANE Select); coding-DNA position 446, C replaced by T.
Protein change: p.Ala149Val; replaces alanine 149 with valine.
Molecular consequence: missense variant.
Genome position (GRCh38, 1-based): chr17:59,647,593, C>T. VCF-style: chr17-59647593-C-T. GRCh37 (hg19) VCF-style: chr17-57724954-C-T.
Other names: c.458C>T, p.Ala153Val (NM_001288653.2); short protein forms A149V, A153V.
Identifiers: ClinVar variation 3897415 (VCV003897415.1).

ClinVar aggregate classification (germline): Uncertain significance (1 of 4 stars; one submission).

Submission:

GeneDx
Classification: Uncertain significance. Last evaluated: 2024-11-01. Review status: criteria provided, single submitter. Criteria: GeneDx Variant Classification Process June 2021. Collection method: clinical testing. Allele origin: germline. Affected: yes.
Comment: Not observed at significant frequency in large population cohorts (gnomAD); In silico analysis indicates that this missense variant does not alter protein structure/function; Has not been previously published as pathogenic or benign to our knowledge